The following is an entry in ClinVar:

ClinVar aggregate classification (germline): Uncertain significance (1 of 4 stars; one submission).

Conditions:
Ataxia-telangiectasia syndrome (AT). Also called: Cerebello-oculocutaneous telangiectasia; Immunodeficiency with ataxia telangiectasia; Ataxia-telangiectasia, complementation group E; Ataxia-telangiectasia, complementation group D; LOUIS-BAR SYNDROME; AT, COMPLEMENTATION GROUP C. Identifiers: Orphanet 100, MedGen C0004135, MONDO:0008840, OMIM 208900.

Submission:

Labcorp Genetics (formerly Invitae), Labcorp
Classification: Uncertain significance for Ataxia-telangiectasia syndrome. Last evaluated: 2023-03-10. Review status: criteria provided, single submitter. Criteria: Invitae Variant Classification Sherloc (09022015). Collection method: clinical testing. Allele origin: germline.
Comment: In summary, the available evidence is currently insufficient to determine the role of this variant in disease. Therefore, it has been classified as a Variant of Uncertain Significance. Studies have shown that this variant is associated with altered splicing resulting in multiple RNA products (Invitae). This variant has not been reported in the literature in individuals affected with ATM-related conditions. This variant is not present in population databases (gnomAD no frequency). This sequence change falls in intron 22 of the ATM gene. It does not directly change the encoded amino acid sequence of the ATM protein.

NM_000051.4(ATM):c.3285-2896_3285-2893del

Gene: ATM (ATM serine/threonine kinase; plus strand). Cytogenetic location: 11q22.3.
Variant type: Deletion.
Coding change: c.3285-2896_3285-2893del on transcript NM_000051.4 (MANE Select); 2896 bases into the intron before coding-DNA position 3285 through 2893 bases into the intron before coding-DNA position 3285, 4 bases deleted (AGTT; older notation c.3285-2896_3285-2893delAGTT).
Molecular consequence: intron variant.
Genome position (GRCh38, 1-based): chr11:108,276,595-108,276,598, AGTT deleted; deleting any 4 consecutive bases within chr11:108,276,592-108,276,598 gives the same sequence; the c. name uses the placement nearest the transcript's 3' end. VCF-style (leftmost placement, unchanged base first): chr11-108276591-TGTTA-T. GRCh37 (hg19) VCF-style: chr11-108147318-TGTTA-T.
Other names: c.3285-2896_3285-2893del (NM_001351834.2).
Identifiers: ClinVar variation 2844250 (VCV002844250.3), dbSNP rs2546849504, ClinGen allele CA2739270901.